The following is an entry in ClinVar:

ClinVar aggregate classification (germline): Benign/Likely benign. Review status: criteria provided, multiple submitters, no conflicts (2 of 4 stars). 4 submissions from 4 submitters: Benign (2); Likely benign (1). 1 of the submissions does not count toward it. Last evaluated 2026-01-21.

Conditions:
Cone-rod dystrophy 7 (CORD7). Identifiers: Orphanet 1872, MedGen C1863634, MONDO:0011355, OMIM 603649.
RIMS1-related disorder. Also called: RIMS1-related condition.

Allele frequency attached by ClinVar (database versions not stated): gnomAD exomes 0.00010 and 0.00038; gnomAD 0.00017 and 0.00022; TOPMed 0.00022; ExAC 0.00052; 1000 Genomes Project 0.00060; 1000 Genomes Project 30x 0.00062.
gnomAD v4.1: 181 of 1,527,872 alleles (0.012%); highest among the groups gnomAD compares: East Asian, 0.35%; no homozygotes.

Submissions (4):

Labcorp Genetics (formerly Invitae), Labcorp
Classification: Benign. Last evaluated: 2026-01-21. Review status: criteria provided, single submitter. Criteria: Invitae Variant Classification Sherloc (09022015). Collection method: clinical testing. Allele origin: germline.

Blueprint Genetics
Classification: Likely benign. Last evaluated: 2024-10-24. Review status: criteria provided, single submitter. Criteria: ACMG Guidelines, 2015. Collection method: clinical testing. Allele origin: germline.

Illumina Laboratory Services, Illumina
Classification: Benign for Cone-rod dystrophy 7. Last evaluated: 2018-01-13. Review status: criteria provided, single submitter. Criteria: ICSL Variant Classification Criteria 13 December 2019. Collection method: clinical testing. Allele origin: germline.
Comment: This variant was observed in the ICSL laboratory as part of a predisposition screen in an ostensibly healthy population. It had not been previously curated by ICSL or reported in the Human Gene Mutation Database (HGMD: prior to June 1st, 2018), and was therefore a candidate for classification through an automated scoring system. Utilizing variant allele frequency, disease prevalence and penetrance estimates, and inheritance mode, an automated score was calculated to assess if this variant is too frequent to cause the disease. Based on the score and internal cut-off values, a variant classified as benign is not then subjected to further curation. The score for this variant resulted in a classification of benign for this disease.

PreventionGenetics, part of Exact Sciences
Classification: Likely benign for RIMS1-related condition. Last evaluated: 2019-04-12. Review status: no assertion criteria provided. Collection method: clinical testing. Allele origin: germline. Not counted in ClinVar's aggregate classification.
Comment: This variant is classified as likely benign based on ACMG/AMP sequence variant interpretation guidelines (Richards et al. 2015 PMID: 25741868, with internal and published modifications).

NM_014989.7(RIMS1):c.3194+9C>A

Gene: RIMS1 (regulating synaptic membrane exocytosis 1; plus strand). Cytogenetic location: 6q13.
Variant type: single nucleotide variant.
Coding change: c.3194+9C>A on transcript NM_014989.7 (MANE Select); 9 bases into the intron after coding-DNA position 3194, C replaced by A.
Molecular consequence: intron variant.
Genome position (GRCh38, 1-based): chr6:72,265,061, C>A. VCF-style: chr6-72265061-C-A. GRCh37 (hg19) VCF-style: chr6-72974764-C-A.
Other names: c.1296-899C>A (NM_001350469.2, NM_001168409.2, NM_001350466.2 and 2 more transcripts); c.1232+5950C>A (NM_001350467.2); c.1293-899C>A (NM_001350461.2, NM_001350463.2); c.1229+5950C>A (NM_001350468.2); c.1466+4294C>A (NM_001350471.2); c.1571+9C>A (NM_001350470.2); c.1494-899C>A (NM_001168410.2, NM_001350473.2); c.1430+5950C>A (NM_001350474.2); and 13 more.
Identifiers: ClinVar variation 357850 (VCV000357850.18), dbSNP rs564292772, ClinGen allele CA3886160.